The following is an entry in ClinVar:

NM_000048.4(ASL):c.544C>T (p.Arg182Ter)

Gene: ASL (argininosuccinate lyase; plus strand). Cytogenetic location: 7q11.21.
Variant type: single nucleotide variant.
Coding change: c.544C>T on transcript NM_000048.4 (MANE Select); coding-DNA position 544, C replaced by T.
Protein change: p.Arg182Ter; replaces arginine 182 with a stop codon.
Molecular consequence: nonsense. On other transcripts: intron variant (1).
Genome position (GRCh38, 1-based): chr7:66,086,763, C>T. VCF-style: chr7-66086763-C-T. GRCh37 (hg19) VCF-style: chr7-65551750-C-T.
Other names: c.544C>T, p.Arg182Ter (NM_001024943.2, NM_001024944.2); c.524+101C>T (NM_001024946.2); short protein forms R182*.
Identifiers: ClinVar variation 92362 (VCV000092362.72), dbSNP rs398123126, ClinGen allele CA220291.

ClinVar aggregate classification (germline): Pathogenic. Review status: criteria provided, multiple submitters, no conflicts (2 of 4 stars). 15 submissions from 15 submitters: Pathogenic (14). 1 of the submissions does not count toward it. Last evaluated 2026-03-20.

Conditions:
ASL-related disorder. Also called: ASL-related condition.
Argininosuccinate lyase deficiency. Also called: Argininosuccinic aciduria; ARGININOSUCCINIC ACID LYASE DEFICIENCY; ASL DEFICIENCY. Identifiers: Orphanet 23, MedGen C0268547, MONDO:0008815, OMIM 207900, HP:0025630.

Allele frequency attached by ClinVar (database versions not stated): ExAC below 0.00001; gnomAD exomes 0.00001; TOPMed 0.00003; gnomAD 0.00005.

Submissions (15):

Victorian Clinical Genetics Services, Murdoch Childrens Research Institute
Classification: Pathogenic for Argininosuccinate lyase deficiency. Last evaluated: 2026-03-20. Review status: criteria provided, single submitter. Criteria: ACMG Guidelines, 2015. Collection method: clinical testing. Allele origin: germline. Affected: no.
Comment: This variant is classified as Pathogenic. Evidence in support of pathogenic classification: Variant is predicted to cause nonsense-mediated decay (NMD) and loss of protein (premature termination codon is located at least 54 nucleotides upstream of the final exon-exon junction); Variant is present in gnomAD <0.01 for a recessive condition (v4: 101 heterozygote(s), 0 homozygote(s)); This variant has strong previous evidence of pathogenicity in unrelated individuals. This variant has been classified as pathogenic by multiple clinical laboratories in ClinVar; Other NMD-predicted variant(s) comparable to the one identified in this case have very strong previous evidence for pathogenicity (DECIPHER). Additional information: This variant is heterozygous; This gene is associated with autosomal recessive disease; Loss of function is a known mechanism of disease in this gene and is associated with argininosuccinic aciduria (MIM#207900).

Labcorp Genetics (formerly Invitae), Labcorp
Classification: Pathogenic for Argininosuccinate lyase deficiency. Last evaluated: 2026-01-11. Review status: criteria provided, single submitter. Criteria: Invitae Variant Classification Sherloc (09022015). Collection method: clinical testing. Allele origin: germline.
Comment: This sequence change creates a premature translational stop signal (p.Arg182*) in the ASL gene. It is expected to result in an absent or disrupted protein product. Loss-of-function variants in ASL are known to be pathogenic (PMID: 2263616, 24166829). This variant is present in population databases (rs398123126, gnomAD 0.002%). This premature translational stop signal has been observed in individual(s) with argininosuccinate lyase deficiency (PMID: 17326097, 20298553). ClinVar contains an entry for this variant (Variation ID: 92362). For these reasons, this variant has been classified as Pathogenic.

Natera, Inc.
Classification: Pathogenic for Argininosuccinate lyase deficiency. Last evaluated: 2025-07-20. Review status: criteria provided, single submitter. Criteria: Natera Variant Classification Schema (03/2026). Collection method: clinical testing. Allele origin: germline.
Comment: The c.544C>T variant in ASL is a nonsense variant predicted to introduce a stop codon at amino acid 182. This variant is expected to result in nonsense mediated decay, truncation, or a dysfunctional protein product. This variant is rare in the general population with a frequency below the threshold expected for the associated phenotype(s). This variant has been observed in one or more individuals affected with the associated recessive disease, as either homozygous or compound heterozygous with a second variant (PMID: 24166829). Given the available evidence, this variant is classified as Pathogenic.

PreventionGenetics, part of Exact Sciences
Classification: Pathogenic for ASL-related condition. Last evaluated: 2025-02-02. Review status: criteria provided, single submitter. Criteria: ACMG Guidelines, 2015. Collection method: clinical testing. Allele origin: germline.
Comment: The ASL c.544C>T variant is predicted to result in premature protein termination (p.Arg182*). This variant has also been documented to be causative for argininosuccinate lyase deficiency (Trevisson et al 2007. PubMed ID: 17326097; Imtiaz et al. 2010. PubMed ID: 20298553). This variant is reported in 0.0017% of alleles in individuals of European (Non-Finnish) descent in gnomAD. Nonsense variants in ASL are expected to be pathogenic. This variant is interpreted as pathogenic.

Fulgent Genetics
Classification: Pathogenic for Argininosuccinate lyase deficiency. Last evaluated: 2024-05-24. Review status: criteria provided, single submitter. Criteria: ACMG Guidelines, 2015. Collection method: clinical testing. Allele origin: germline.

Baylor Genetics
Classification: Pathogenic for Argininosuccinate lyase deficiency. Last evaluated: 2024-02-16. Review status: criteria provided, single submitter. Criteria: ACMG Guidelines, 2015. Collection method: clinical testing. Allele origin: unknown.

GeneDx
Classification: Pathogenic. Last evaluated: 2023-10-11. Review status: criteria provided, single submitter. Criteria: GeneDx Variant Classification Process June 2021. Collection method: clinical testing. Allele origin: germline. Affected: yes.
Comment: Nonsense variant predicted to result in protein truncation or nonsense mediated decay in a gene for which loss of function is a known mechanism of disease; Not observed at significant frequency in large population cohorts (gnomAD); This variant is associated with the following publications: (PMID: 28251416, 18367960, 20298553, 31998365, 25525159, 32778825, 31589614, 24166829, 2263616, 31943503, 17326097)

Blueprint Genetics
Classification: Pathogenic for ASL-related disorders. Last evaluated: 2023-04-04. Review status: criteria provided, single submitter. Criteria: ACMG Guidelines, 2015. Collection method: clinical testing. Allele origin: germline. Affected: yes. Observed: 3 variant alleles.

Women's Health and Genetics/Laboratory Corporation of America, LabCorp
Classification: Pathogenic for Argininosuccinate lyase deficiency. Last evaluated: 2020-05-25. Review status: criteria provided, single submitter. Criteria: LabCorp Variant Classification Summary - May 2015. Collection method: clinical testing. Allele origin: germline.
Comment: Variant summary: ASL c.544C>T (p.Arg182X) results in a premature termination codon, predicted to cause a truncation of the encoded protein or absence of the protein due to nonsense mediated decay, which are commonly known mechanisms for disease. Truncations downstream of this position have been classified as pathogenic by our laboratory. The variant allele was found at a frequency of 8.8e-06 in 228134 control chromosomes. c.544C>T has been reported in the literature in individuals affected with Argininosuccinic Aciduria and cited by others (example, Trevisson_2007, Imtiaz_2010 and Zielonka_2020). These data indicate that the variant may be associated with disease. At least one publication reports experimental evidence evaluating an impact on protein function. The most pronounced variant effect results in a complete lack of protein expression (Zielonka_2020). Five clinical diagnostic laboratories have submitted clinical-significance assessments for this variant to ClinVar after 2014 without evidence for independent evaluation. All laboratories classified the variant as pathogenic. Based on the evidence outlined above, the variant was classified as pathogenic.

CeGaT Center for Human Genetics Tuebingen
Classification: Pathogenic. Last evaluated: 2019-05-01. Review status: criteria provided, single submitter. Criteria: CeGaT Center For Human Genetics Tuebingen Variant Classification Criteria Version 2. Collection method: clinical testing. Allele origin: germline. Affected: yes. Observed: 3 variant alleles.

Genetic Services Laboratory, University of Chicago
Classification: Pathogenic for Argininosuccinic aciduria. Last evaluated: 2015-07-02. Review status: criteria provided, single submitter. Criteria: ACMG Guidelines, 2015. Collection method: clinical testing. Allele origin: germline. Affected: yes.

Eurofins Ntd Llc (ga)
Classification: Pathogenic. Last evaluated: 2013-03-27. Review status: criteria provided, single submitter. Criteria: EGL Classification Definitions 2015. Collection method: clinical testing. Allele origin: germline. Observed: 2 variant alleles, 2 heterozygotes.

Juno Genomics, Hangzhou Juno Genomics, Inc
Classification: Pathogenic for Argininosuccinate lyase deficiency. Review status: criteria provided, single submitter. Criteria: ACMG Guidelines, 2015. Collection method: clinical testing. Allele origin: germline.
Comment: Absent from controls (or at extremely low frequency if recessive) in Genome Aggregation Database.;Null variant in a gene where loss of function (LOF) is a known mechanism of disease.;For recessive disorders, detected in trans with a pathogenic variant.

UNC Molecular Genetics  Laboratory, University of North Carolina at Chapel Hill
Classification: Pathogenic for Argininosuccinate lyase deficiency. Review status: criteria provided, single submitter. Criteria: ACMG Guidelines, 2015. Collection method: research. Allele origin: germline. Affected: no. Observed: 1 variant allele. Study: NSIGHT-NC NEXUS.
Comment: The ASL c.544C>T (p.R182*) nonsense variant is predicted to result in an absent or aberrant protein. This variant has been previously observed in the homozygous and compound heterozygous state in individuals with argininosuccinic aciduria (PMID: 17326097; 20298553).

carrier finding

Counsyl
Classification: Pathogenic for Argininosuccinate lyase deficiency. Last evaluated: 2016-12-23. Review status: no assertion criteria provided. Collection method: clinical testing. Allele origin: unknown. Not counted in ClinVar's aggregate classification.

Literature cited by the submitters: PubMed 2263616 (cited by Labcorp Genetics (formerly Invitae), Labcorp); PubMed 24166829 (cited by Labcorp Genetics (formerly Invitae), Labcorp and Natera, Inc.); PubMed 17326097 (cited by 4 submitters); PubMed 20298553 (cited by 4 submitters); PubMed 31943503 (cited by Women's Health and Genetics/Laboratory Corporation of America, LabCorp).